The following is an entry in ClinVar:

NM_000548.5(TSC2):c.421G>T (p.Glu141Ter)

Gene: TSC2 (TSC complex subunit 2; plus strand). Cytogenetic location: 16p13.3.
Variant type: single nucleotide variant.
Coding change: c.421G>T on transcript NM_000548.5 (MANE Select); coding-DNA position 421, G replaced by T.
Protein change: p.Glu141Ter; replaces glutamic acid 141 with a stop codon.
Molecular consequence: nonsense. On other transcripts: intron variant (1).
Genome position (GRCh38, 1-based): chr16:2,054,380, G>T. VCF-style: chr16-2054380-G-T. GRCh37 (hg19) VCF-style: chr16-2104381-G-T.
Other names: c.421G>T, p.Glu141Ter (NM_001077183.3, NM_001114382.3, NM_001363528.2 and 3 more transcripts); c.310G>T, p.Glu104Ter (NM_001318827.2); c.274G>T, p.Glu92Ter (NM_001318829.2); c.454G>T, p.Glu152Ter (NM_001318832.2); c.-1-1816G>T (NM_001318831.2); short protein forms E141*, E92*, E104*, E152*.
Identifiers: ClinVar variation 405985 (VCV000405985.6), dbSNP rs1060500924, ClinGen allele CA16614902.

ClinVar aggregate classification (germline): Pathogenic (1 of 4 stars; one submission).

Conditions:
Tuberous sclerosis 2 (TSC2). Identifiers: Orphanet 805, MedGen C1860707, MONDO:0013199, OMIM 613254.

Submission:

Labcorp Genetics (formerly Invitae), Labcorp
Classification: Pathogenic for Tuberous sclerosis 2. Last evaluated: 2016-06-27. Review status: criteria provided, single submitter. Criteria: Invitae Variant Classification Sherloc (09022015). Collection method: clinical testing. Allele origin: germline.
Comment: This sequence change creates a premature translational stop signal at codon 141 (p.Glu141*) of the TSC2 gene. It is expected to result in an absent or disrupted protein product. While this particular variant has not been reported in the literature, loss-of-function variants in TSC2 are known to be pathogenic (PMID: 10205261, 17304050). For these reasons, this variant has been classified as Pathogenic.

Literature cited by the submitters: PubMed 10205261; PubMed 17304050.